The following is an entry in ClinVar:

NM_080680.3(COL11A2):c.1163C>T (p.Pro388Leu)

Gene: COL11A2 (collagen type XI alpha 2 chain; minus strand). Cytogenetic location: 6p21.32.
Variant type: single nucleotide variant.
Coding change: c.1163C>T on transcript NM_080680.3 (MANE Select); coding-DNA position 1163, C replaced by T.
Protein change: p.Pro388Leu; replaces proline 388 with leucine.
Molecular consequence: missense variant.
Genome position (GRCh38, 1-based): chr6:33,181,127, G>A on the plus strand (C>T on the coding strand, the complement: COL11A2 is on the minus strand). VCF-style: chr6-33181127-G-A. GRCh37 (hg19) VCF-style: chr6-33148904-G-A.
Other names: c.842C>T, p.Pro281Leu (NM_080679.3); c.905C>T, p.Pro302Leu (NM_080681.3); short protein forms P281L, P388L, P302L.
Identifiers: ClinVar variation 2096626 (VCV002096626.4), dbSNP rs2535339506, ClinGen allele CA363606548.
Genomic context (GRCh38, chr6:33,181,127, plus strand): 5'-TCTCCTATTTCCACTGCCTCAGCCCTGTGACCAGCATAACTTACAGGTTCCAACACTGCA[G>A]GCTCTCCTTTCTCTCCCTTCAGCCCTCGGGGTCCATGGGCAGCCTGAAGGAGACACACAT-3'
Protein context (NP_542411.2, residues 378-398): PRGLKGEKGE[Pro388Leu]AVLEPGMLVE

ClinVar aggregate classification (germline): Uncertain significance (1 of 4 stars; one submission).

Submission:

Labcorp Genetics (formerly Invitae), Labcorp
Classification: Uncertain significance. Last evaluated: 2022-04-18. Review status: criteria provided, single submitter. Criteria: Invitae Variant Classification Sherloc (09022015). Collection method: clinical testing. Allele origin: germline.
Comment: In summary, the available evidence is currently insufficient to determine the role of this variant in disease. Therefore, it has been classified as a Variant of Uncertain Significance. Advanced modeling of protein sequence and biophysical properties (such as structural, functional, and spatial information, amino acid conservation, physicochemical variation, residue mobility, and thermodynamic stability) performed at Invitae indicates that this missense variant is not expected to disrupt COL11A2 protein function. This variant has not been reported in the literature in individuals affected with COL11A2-related conditions. This variant is not present in population databases (gnomAD no frequency). This sequence change replaces proline, which is neutral and non-polar, with leucine, which is neutral and non-polar, at codon 388 of the COL11A2 protein (p.Pro388Leu).